The following is an entry in ClinVar:

ClinVar aggregate classification (germline): Pathogenic (1 of 4 stars; one submission).

Conditions:
Brown-Vialetto-van Laere syndrome 1. Also called: BROWN-VIALETTO-VAN LAERE SYNDROME 1, MILD; BULBAR PALSY, PROGRESSIVE, WITH SENSORINEURAL DEAFNESS; PONTOBULBAR PALSY WITH DEAFNESS. Identifiers: Orphanet 572550, Orphanet 97229, MedGen C0796274, MONDO:0024537, OMIM 211530.

Submission:

Labcorp Genetics (formerly Invitae), Labcorp
Classification: Pathogenic for Brown-Vialetto-van Laere syndrome 1. Last evaluated: 2022-12-29. Review status: criteria provided, single submitter. Criteria: Invitae Variant Classification Sherloc (09022015). Collection method: clinical testing. Allele origin: germline.
Comment: This variant has not been reported in the literature in individuals affected with SLC52A3-related conditions. This sequence change creates a premature translational stop signal (p.Trp17*) in the SLC52A3 gene. It is expected to result in an absent or disrupted protein product. Loss-of-function variants in SLC52A3 are known to be pathogenic (PMID: 20206331, 22824638, 25462087). This variant is not present in population databases (gnomAD no frequency). For these reasons, this variant has been classified as Pathogenic.

Literature cited by the submitters: PubMed 20206331; PubMed 22824638; PubMed 25462087.

NM_033409.4(SLC52A3):c.51G>A (p.Trp17Ter)

Gene: SLC52A3 (solute carrier family 52 member 3; minus strand). Cytogenetic location: 20p13.
Variant type: single nucleotide variant.
Coding change: c.51G>A on transcript NM_033409.4 (MANE Select); coding-DNA position 51, G replaced by A.
Protein change: p.Trp17Ter; replaces tryptophan 17 with a stop codon.
Molecular consequence: nonsense.
Genome position (GRCh38, 1-based): chr20:765,724, C>T on the plus strand (G>A on the coding strand, the complement: SLC52A3 is on the minus strand). VCF-style: chr20-765724-C-T. GRCh37 (hg19) VCF-style: chr20-746368-C-T.
Other names: c.51G>A, p.Trp17Ter (NM_001370085.1, NM_001370086.1); short protein forms W17*.
Identifiers: ClinVar variation 2815117 (VCV002815117.3), dbSNP rs2514853352, ClinGen allele CA407964643.
Genomic context (GRCh38, chr20:765,724, plus strand): 5'-GCCCTCGGGCAGCTCCATCACCAGCAGGGGCAGCTCTACCCAGAGCCCATTGATGGTCAC[C>T]CAGGAGCCCATTCCGAAGACGCAGACCAGCAGGTGCATCAGGAAGGCCATGGCGGTATCT-3'